The following is an entry in ClinVar:

ClinVar aggregate classification (germline): Pathogenic (1 of 4 stars; one submission).

Conditions:
Congenital muscular hypertrophy-cerebral syndrome (CDLS2). Also called: Cornelia de Lange syndrome 2; SMC1A-Related Cornelia de Lange Syndrome. Identifiers: Orphanet 199, MedGen C1802395, MONDO:0010370, OMIM 300590.

Submission:

Labcorp Genetics (formerly Invitae), Labcorp
Classification: Pathogenic for Congenital muscular hypertrophy-cerebral syndrome. Last evaluated: 2022-02-17. Review status: criteria provided, single submitter. Criteria: Invitae Variant Classification Sherloc (09022015). Collection method: clinical testing. Allele origin: germline.
Comment: For these reasons, this variant has been classified as Pathogenic. This variant has not been reported in the literature in individuals affected with SMC1A-related conditions. This variant is a gross deletion of the genomic region encompassing exon(s) 2-9 of the SMC1A gene. This deletion is out-of-frame, and is expected to create a premature termination codon and result in an absent or disrupted protein product. Loss-of-function variants in SMC1A are known to be pathogenic (PMID: 26386245, 27334371, 28166369, 28548707, 31334757).

Literature cited by the submitters: PubMed 26386245; PubMed 27334371; PubMed 28166369; PubMed 28548707; PubMed 31334757.

NC_000023.10:g.(?_53435973)_(53442138_?)del

Gene: SMC1A (structural maintenance of chromosomes 1A; minus strand). Cytogenetic location: Xp11.22.
Variant type: Deletion.
Identifiers: ClinVar variation 2425563 (VCV002425563.4).